The following is an entry in ClinVar:

ClinVar aggregate classification (germline): Uncertain significance (1 of 4 stars; one submission).

Submission:

Labcorp Genetics (formerly Invitae), Labcorp
Classification: Uncertain significance. Last evaluated: 2022-03-11. Review status: criteria provided, single submitter. Criteria: Invitae Variant Classification Sherloc (09022015). Collection method: clinical testing. Allele origin: germline.
Comment: This variant has not been reported in the literature in individuals affected with CNGB1-related conditions. In summary, the available evidence is currently insufficient to determine the role of this variant in disease. Therefore, it has been classified as a Variant of Uncertain Significance. Advanced modeling of protein sequence and biophysical properties (such as structural, functional, and spatial information, amino acid conservation, physicochemical variation, residue mobility, and thermodynamic stability) performed at Invitae indicates that this missense variant is not expected to disrupt CNGB1 protein function. This variant is not present in population databases (gnomAD no frequency). This sequence change replaces glutamine, which is neutral and polar, with arginine, which is basic and polar, at codon 116 of the CNGB1 protein (p.Gln116Arg).

NM_001297.5(CNGB1):c.347A>G (p.Gln116Arg)

Gene: CNGB1 (cyclic nucleotide gated channel subunit beta 1; minus strand). Cytogenetic location: 16q21.
Variant type: single nucleotide variant.
Coding change: c.347A>G on transcript NM_001297.5 (MANE Select); coding-DNA position 347, A replaced by G.
Protein change: p.Gln116Arg; replaces glutamine 116 with arginine.
Molecular consequence: missense variant.
Genome position (GRCh38, 1-based): chr16:57,963,008, T>C on the plus strand (A>G on the coding strand, the complement: CNGB1 is on the minus strand). VCF-style: chr16-57963008-T-C. GRCh37 (hg19) VCF-style: chr16-57996912-T-C.
Other names: c.347A>G, p.Gln116Arg (NM_001135639.2, NM_001286130.2); short protein forms Q116R.
Identifiers: ClinVar variation 1385954 (VCV001385954.6), dbSNP rs2149387995, ClinGen allele CA396079642.